The following is an entry in ClinVar:

ClinVar aggregate classification (germline): Conflicting classifications of pathogenicity. Review status: criteria provided, conflicting classifications (1 of 4 stars). 8 submissions from 8 submitters: Likely pathogenic (4); Uncertain significance (2). 2 of the submissions do not count toward it. Last evaluated 2025-10-20.

Conditions:
Classic homocystinuria. Also called: Homocystinuria due to CBS deficiency; Cystathionine beta-synthase deficiency; CBS deficiency; Homocystinuria due to Cystathionine Beta-Synthase Deficiency; HOMOCYSTINURIA WITH OR WITHOUT RESPONSE TO PYRIDOXINE. Identifiers: Orphanet 394, MedGen C0751202, MONDO:0009352, OMIM 236200.
HYPERHOMOCYSTEINEMIA, THROMBOTIC, CBS-RELATED. Identifiers: MedGen C3150344, OMIM 236200.
CBS-related disorder. Also called: CBS-related condition.

Allele frequency attached by ClinVar (database versions not stated): gnomAD exomes below 0.00001.

Submissions (8):

Natera, Inc.
Classification: Likely pathogenic for Homocystinuria due to cystathionine beta-synthase deficiency. Last evaluated: 2025-10-20. Review status: criteria provided, single submitter. Criteria: Natera Variant Classification Schema (03/2026). Collection method: clinical testing. Allele origin: germline.
Comment: The c.752T>C variant in CBS is a missense variant predicted to cause substitution of leucine to proline at amino acid 251. This variant is rare in the general population with a frequency below the threshold expected for the associated phenotype(s). This variant has been observed in one or more individuals affected with the associated recessive disease, as either homozygous or compound heterozygous with a second variant (PMID: 34905667, 24211323). Computational prediction algorithms indicate this variant is likely to affect gene or protein function. Given the available evidence, this variant is classified as Likely Pathogenic.

3billion
Classification: Likely pathogenic for Classic homocystinuria. Last evaluated: 2025-09-17. Review status: criteria provided, single submitter. Criteria: ACMG Guidelines, 2015. Collection method: clinical testing. Allele origin: germline. Affected: yes.
Comment: The variant is not observed in the gnomAD v4.1.0 dataset. Predicted Consequence/Location: Missense variant In silico tool predictions suggest damaging effect of the variant on gene or gene product [REVEL: 0.99 (>=0.6, sensitivity 0.68 and specificity 0.92); 3Cnet: 0.99 (> 0.75, sensitivity 0.96 and precision 0.92)]. The same nucleotide change resulting in the same amino acid change has been previously reported to be associated with CBS-related disorder (ClinVar ID: VCV000555482 /PMID: 24211323).The variant has been reported to be in trans with a pathogenic variant as either compound heterozygous or homozygous in at least one similarly affected unrelated individual (PMID: 24211323). A different missense change at the same codon (p.Leu251Arg) has been reported to be associated with CBS-related disorder (PMID: 35658358). Therefore, this variant is classified as Likely pathogenic according to the recommendation of ACMG/AMP guideline.

Labcorp Genetics (formerly Invitae), Labcorp
Classification: Likely pathogenic for HYPERHOMOCYSTEINEMIA, THROMBOTIC, CBS-RELATED. Last evaluated: 2024-11-19. Review status: criteria provided, single submitter. Criteria: Invitae Variant Classification Sherloc (09022015). Collection method: clinical testing. Allele origin: germline.
Comment: This sequence change replaces leucine, which is neutral and non-polar, with proline, which is neutral and non-polar, at codon 251 of the CBS protein (p.Leu251Pro). This variant is present in population databases (no rsID available, gnomAD 0.003%). This missense change has been observed in individuals with homocystinuria due to cystathionine beta-synthase deficiency (PMID: 24211323). ClinVar contains an entry for this variant (Variation ID: 555482). Invitae Evidence Modeling of protein sequence and biophysical properties (such as structural, functional, and spatial information, amino acid conservation, physicochemical variation, residue mobility, and thermodynamic stability) indicates that this missense variant is expected to disrupt CBS protein function with a positive predictive value of 95%. In summary, the currently available evidence indicates that the variant is pathogenic, but additional data are needed to prove that conclusively. Therefore, this variant has been classified as Likely Pathogenic.

Baylor Genetics
Classification: Likely pathogenic for Classic homocystinuria. Last evaluated: 2023-10-09. Review status: criteria provided, single submitter. Criteria: ACMG Guidelines, 2015. Collection method: clinical testing. Allele origin: unknown.

Fulgent Genetics
Classification: Uncertain significance for Classic homocystinuria. Last evaluated: 2021-10-08. Review status: criteria provided, single submitter. Criteria: ACMG Guidelines, 2015. Collection method: clinical testing. Allele origin: unknown.

New York Genome Center
Classification: Uncertain significance for Classic homocystinuria. Last evaluated: 2021-02-22. Review status: criteria provided, single submitter. Criteria: NYGC Assertion Criteria 2020. Collection method: clinical testing. Allele origin: germline. Observed: 1 homozygote. Study: CSER-NYCKidSeq.
Comment: The homozygous c.752T>C (p.Leu251Pro) missense variant identified in the CBS gene has been reported in two affected individuals [PMID:24211323]. One individual [Patient #13] was homozygous for the p.Leu251Pro variant and presented with psychomotor delay and marfanoid features. The second individual [Patient #25] was compound heterozygous for p.Leu251Pro and another missense variant and presented with mild mental retardation, vision problems, and lens ectopia [PMID:24211323]. The p.Leu251Pro has been reported in ClinVar database as a variant of uncertain significance [Variation ID:555482]. The variant is absent from the gnomAD(v3) database suggesting it is not a common benign variant in populations represented in that database. The variant affects a moderately conserved residue and is predicted deleterious by multiple in silico tools [REVEL score= 0.99, CADD score= 32). Functional studies to evaluate the potential consequences of this variant have not been reported. Based on the available evidence, the homozygous c.752T>C (p.Leu251Pro)missense variant identified in the CBS gene is reported as a variant of uncertain significance.

PreventionGenetics, part of Exact Sciences
Classification: Likely pathogenic for CBS-related condition. Last evaluated: 2024-01-19. Review status: no assertion criteria provided. Collection method: clinical testing. Allele origin: germline. Not counted in ClinVar's aggregate classification.
Comment: The CBS c.752T>C variant is predicted to result in the amino acid substitution p.Leu251Pro. This variant has been reported in the homozygous or compound heterozygous state in two Turkish individuals with a neurological presentation and elevated homocysteine and methionine in plasma (Karaca et al. 2014. PubMed ID: 24211323). It was also reported in the homozygous state in a patient with classical homocystinuria (Wasim et al. 2022. PubMed ID: 34905667). This variant is reported in 0.0033% of alleles in individuals of South Asian descent in gnomAD. Taken together, this variant is interpreted as likely pathogenic.

Counsyl
Classification: Uncertain significance for Classic homocystinuria. Last evaluated: 2017-12-06. Review status: no assertion criteria provided. Collection method: clinical testing. Allele origin: unknown. Not counted in ClinVar's aggregate classification.

Literature cited by the submitters: PubMed 34905667 (cited by Natera, Inc.); PubMed 24211323 (cited by 4 submitters); PubMed 35658358 (cited by 3billion); PubMed 20455263 (cited by Counsyl).

NM_000071.3(CBS):c.752T>C (p.Leu251Pro)

Gene: CBS (cystathionine beta-synthase; minus strand). Cytogenetic location: 21q22.3.
Variant type: single nucleotide variant.
Coding change: c.752T>C on transcript NM_000071.3 (MANE Select); coding-DNA position 752, T replaced by C.
Protein change: p.Leu251Pro; replaces leucine 251 with proline.
Molecular consequence: missense variant.
Genome position (GRCh38, 1-based): chr21:43,063,976, A>G on the plus strand (T>C on the coding strand, the complement: CBS is on the minus strand). VCF-style: chr21-43063976-A-G. GRCh37 (hg19) VCF-style: chr21-44484086-A-G.
Other names: c.752T>C, p.Leu251Pro (NM_001178008.3, NM_001178009.3, NM_001320298.2); c.437T>C, p.Leu146Pro (NM_001321072.1); short protein forms L251P, L146P.
Identifiers: ClinVar variation 555482 (VCV000555482.13), dbSNP rs1176770868, ClinGen allele CA410600363.